The following is an entry in ClinVar:

ClinVar aggregate classification (germline): Benign; protective. Review status: no assertion criteria provided (0 of 4 stars). 2 submissions from 2 submitters: Benign (1). Last evaluated 2019-10-17.

Conditions:
Malaria, severe, resistance to. Identifiers: MedGen C1970030.
CR1-related disorder. Also called: CR1-related condition.

Allele frequency attached by ClinVar (database versions not stated): ESP Exome Variant Server 0.19606; gnomAD exomes 0.19790 and 0.25040; gnomAD 0.20714 and 0.21517; TOPMed 0.21692; ExAC 0.25096; 1000 Genomes Project 30x 0.28982; 1000 Genomes Project 0.29433.
gnomAD v4.1: 323,332 of 1,613,500 alleles (20%); highest among the groups gnomAD compares: South Asian, 42%; 36,447 homozygotes.

Submissions (2):

PreventionGenetics, part of Exact Sciences
Classification: Benign for CR1-related condition. Last evaluated: 2019-10-17. Review status: no assertion criteria provided. Collection method: clinical testing. Allele origin: germline.
Comment: This variant is classified as benign based on ACMG/AMP sequence variant interpretation guidelines (Richards et al. 2015 PMID: 25741868, with internal and published modifications).

OMIM
Classification: protective for MALARIA, SEVERE, RESISTANCE TO. Last evaluated: 2010-10-05. Review status: no assertion criteria provided. Collection method: literature only. Allele origin: germline.

Literature cited by the submitters: PubMed 10528197 (cited by OMIM); PubMed 14694201 (cited by OMIM); PubMed 20855594 (cited by OMIM).

NM_000651.6(CR1):c.4973A>G (p.His1658Arg)

Gene: CR1 (complement C3b/C4b receptor 1 (Knops blood group); plus strand). Cytogenetic location: 1q32.2.
Variant type: single nucleotide variant.
Coding change: c.4973A>G on transcript NM_000651.6 (MANE Select); coding-DNA position 4973, A replaced by G.
Protein change: p.His1658Arg; replaces histidine 1658 with arginine.
Molecular consequence: missense variant.
Genome position (GRCh38, 1-based): chr1:207,580,276, A>G. VCF-style: chr1-207580276-A-G. GRCh37 (hg19) VCF-style: chr1-207753621-A-G.
Other names: 3650A-G; c.3623A>G (NM_000573.4); c.4973A>G (NM_000651.4); short protein forms H1658R.
Identifiers: ClinVar variation 17066 (VCV000017066.3), dbSNP rs2274567, ClinGen allele CA1370009.
Genomic context (GRCh38, chr1:207,580,276, plus strand): 5'-ACTCTGGAACTGTCCTTTCCACAGTGTGTCAGCCGCCTCCAGAAATCCTGCATGGTGAGC[A>G]TACCCCAAGCCATCAGGACAACTTTTCACCTGGGCAGGAAGTGTTCTACAGCTGTGAGCC-3'
Protein context (NP_000642.3, residues 1648-1668): QPPPEILHGE[His1658Arg]TPSHQDNFSP